The following is an entry in ClinVar:

ClinVar aggregate classification (germline): Uncertain significance (1 of 4 stars; one submission).

Submission:

Labcorp Genetics (formerly Invitae), Labcorp
Classification: Uncertain significance. Last evaluated: 2024-02-08. Review status: criteria provided, single submitter. Criteria: Invitae Variant Classification Sherloc (09022015). Collection method: clinical testing. Allele origin: germline.
Comment: This sequence change affects codon 71 of the RECQL mRNA. It is a 'silent' change, meaning that it does not change the encoded amino acid sequence of the RECQL protein. It affects a nucleotide within the consensus splice site. This variant is not present in population databases (gnomAD no frequency). This variant has not been reported in the literature in individuals affected with RECQL-related conditions. Algorithms developed to predict the effect of sequence changes on RNA splicing suggest that this variant may disrupt the consensus splice site. In summary, the available evidence is currently insufficient to determine the role of this variant in disease. Therefore, it has been classified as a Variant of Uncertain Significance.

NM_002907.4(RECQL):c.213A>G (p.Glu71=)

Gene: RECQL (RecQ like helicase; minus strand). Cytogenetic location: 12p12.1.
Variant type: single nucleotide variant.
Coding change: c.213A>G on transcript NM_002907.4 (MANE Select); coding-DNA position 213, A replaced by G.
Protein change: p.Glu71=; no amino-acid change (glutamic acid 71 retained).
Molecular consequence: synonymous variant.
Genome position (GRCh38, 1-based): chr12:21,491,520, T>C on the plus strand (A>G on the coding strand, the complement: RECQL is on the minus strand). VCF-style: chr12-21491520-T-C. GRCh37 (hg19) VCF-style: chr12-21644454-T-C.
Other names: c.213A>G, p.Glu71= (NM_032941.3).
Identifiers: ClinVar variation 3625103 (VCV003625103.2).
Genomic context (GRCh38, chr12:21,491,520, plus strand): 5'-TAGTTTTTTAAAATATGAGAAGAAATAAAACTAGCAAAAAAAAAAAAAAAAAAGTTAACC[T>C]TCTTTATTCCAAGCGGCAGGTGAAGAATCATATTCATTGCTTGCCCCGGCATCAGAATCC-3'
Protein context (NP_002898.2, residues 61-81): YDSSPAAWNK[Glu71=]DFPWSGKVKD